The following is an entry in ClinVar:

NM_021942.6(TRAPPC11):c.2694+1G>T

Gene: TRAPPC11 (trafficking protein particle complex subunit 11; plus strand). Cytogenetic location: 4q35.1.
Variant type: single nucleotide variant.
Coding change: c.2694+1G>T on transcript NM_021942.6 (MANE Select); the canonical splice donor site of the intron after coding-DNA position 2694, G replaced by T.
Molecular consequence: splice donor variant.
Genome position (GRCh38, 1-based): chr4:183,697,569, G>T. VCF-style: chr4-183697569-G-T. GRCh37 (hg19) VCF-style: chr4-184618722-G-T.
Other names: c.2694+1G>T (NM_199053.3).
Identifiers: ClinVar variation 474354 (VCV000474354.7), dbSNP rs1186858080, ClinGen allele CA358872791.

ClinVar aggregate classification (germline): Likely pathogenic (1 of 4 stars; one submission).

Conditions:
Autosomal recessive limb-girdle muscular dystrophy type R18 (LGMDR18). Also called: MUSCULAR DYSTROPHY, LIMB-GIRDLE, AUTOSOMAL RECESSIVE 18; Autosomal recessive limb-girdle muscular dystrophy type 2S; Limb-girdle muscular dystrophy, type 2S. Identifiers: Orphanet 369840, MedGen C4517996, MONDO:0014144, OMIM 615356.

Submission:

Labcorp Genetics (formerly Invitae), Labcorp
Classification: Likely pathogenic for Autosomal recessive limb-girdle muscular dystrophy type R18. Last evaluated: 2016-10-10. Review status: criteria provided, single submitter. Criteria: Invitae Variant Classification Sherloc (09022015). Collection method: clinical testing. Allele origin: germline.
Comment: This sequence change affects a donor splice site in intron 24 of the TRAPPC11 gene. It is expected to disrupt mRNA splicing and likely results in an absent or disrupted protein product. This variant is not present in population databases (ExAC no frequency). While this particular variant has not been reported in the literature, truncating variants in TRAPPC11 are known to be pathogenic (PMID: 26322222). For these reasons, this variant has been classified as Likely Pathogenic.

Literature cited by the submitters: PubMed 26322222.